The following is an entry in ClinVar:

NM_003274.5(TRAPPC10):c.2441C>T (p.Thr814Met)

Gene: TRAPPC10 (trafficking protein particle complex subunit 10; plus strand). Cytogenetic location: 21q22.3.
Variant type: single nucleotide variant.
Coding change: c.2441C>T on transcript NM_003274.5 (MANE Select); coding-DNA position 2441, C replaced by T.
Protein change: p.Thr814Met; replaces threonine 814 with methionine.
Molecular consequence: missense variant.
Genome position (GRCh38, 1-based): chr21:44,086,862, C>T. VCF-style: chr21-44086862-C-T. GRCh37 (hg19) VCF-style: chr21-45506743-C-T.
Other names: c.1040C>T, p.Thr347Met (NM_001351709.1); short protein forms T347M, T814M.
Identifiers: ClinVar variation 2626979 (VCV002626979.1), dbSNP rs139545421, ClinGen allele CA10050807.

ClinVar aggregate classification (germline): Uncertain significance (1 of 4 stars; one submission).

Allele frequency attached by ClinVar (database versions not stated): gnomAD 0.00099; ExAC 0.00101; TOPMed 0.00108; ESP Exome Variant Server 0.00146; gnomAD exomes 0.00166.

Submission:

Greenwood Genetic Center Diagnostic Laboratories, Greenwood Genetic Center
Classification: Uncertain significance. Last evaluated: 2023-07-10. Review status: criteria provided, single submitter. Criteria: ACMG Guidelines, 2015. Collection method: clinical testing. Allele origin: germline. Affected: yes.
Comment: BP4